The following is an entry in ClinVar:

NM_000129.4(F13A1):c.1652C>T (p.Thr551Ile)

Gene: F13A1 (coagulation factor XIII A chain; minus strand). Cytogenetic location: 6p25.1.
Variant type: single nucleotide variant.
Coding change: c.1652C>T on transcript NM_000129.4 (MANE Select); coding-DNA position 1652, C replaced by T.
Protein change: p.Thr551Ile; replaces threonine 551 with isoleucine.
Molecular consequence: missense variant.
Genome position (GRCh38, 1-based): chr6:6,174,675, G>A on the plus strand (C>T on the coding strand, the complement: F13A1 is on the minus strand). VCF-style: chr6-6174675-G-A. GRCh37 (hg19) VCF-style: chr6-6174908-G-A.
Other names: short protein forms T551I.
Identifiers: ClinVar variation 725280 (VCV000725280.6), dbSNP rs5984, ClinGen allele CA3624291.

ClinVar aggregate classification (germline): Likely benign. Review status: criteria provided, single submitter (1 of 4 stars). 2 submissions from 2 submitters: Likely benign (1). 1 of the submissions does not count toward it. Last evaluated 2019-12-31.

Conditions:
F13A1-related disorder. Also called: F13A1-related condition.

Allele frequency attached by ClinVar (database versions not stated): gnomAD exomes 0.00011 and 0.00034; ExAC 0.00046; 1000 Genomes Project 30x 0.00094; 1000 Genomes Project 0.00120; gnomAD 0.00133 and 0.00148; TOPMed 0.00144; ESP Exome Variant Server 0.00146.
gnomAD v4.1: 386 of 1,614,184 alleles (0.024%); highest among the groups gnomAD compares: African/African-American, 0.47%; 1 homozygote.

Submissions (2):

Labcorp Genetics (formerly Invitae), Labcorp
Classification: Likely benign. Last evaluated: 2019-12-31. Review status: criteria provided, single submitter. Criteria: Invitae Variant Classification Sherloc (09022015). Collection method: clinical testing. Allele origin: germline.

PreventionGenetics, part of Exact Sciences
Classification: Likely benign for F13A1-related condition. Last evaluated: 2020-06-16. Review status: no assertion criteria provided. Collection method: clinical testing. Allele origin: germline. Not counted in ClinVar's aggregate classification.
Comment: This variant is classified as likely benign based on ACMG/AMP sequence variant interpretation guidelines (Richards et al. 2015 PMID: 25741868, with internal and published modifications).